The following is an entry in ClinVar:

NM_001003800.2(BICD2):c.1417C>T (p.Arg473Cys)

Gene: BICD2 (BICD cargo adaptor 2; minus strand). Cytogenetic location: 9q22.31.
Variant type: single nucleotide variant.
Coding change: c.1417C>T on transcript NM_001003800.2 (MANE Select); coding-DNA position 1417, C replaced by T.
Protein change: p.Arg473Cys; replaces arginine 473 with cysteine.
Molecular consequence: missense variant.
Genome position (GRCh38, 1-based): chr9:92,719,228, G>A on the plus strand (C>T on the coding strand, the complement: BICD2 is on the minus strand). VCF-style: chr9-92719228-G-A. GRCh37 (hg19) VCF-style: chr9-95481510-G-A.
Other names: p.Arg473Cys; c.1417C>T, p.Arg473Cys (NM_015250.4); short protein forms R473C.
Identifiers: ClinVar variation 1037444 (VCV001037444.15), dbSNP rs142203302, ClinGen allele CA5126561.

ClinVar aggregate classification (germline): Conflicting classifications of pathogenicity. Review status: criteria provided, conflicting classifications (1 of 4 stars). 5 submissions from 5 submitters: Uncertain significance (2); Likely benign (3). Last evaluated 2025-09-11.

Conditions:
Inborn genetic diseases. Identifiers: MedGen C0950123, MeSH D030342.
Autosomal dominant childhood-onset proximal spinal muscular atrophy with contractures (SMALED2A). Also called: SPINAL MUSCULAR ATROPHY, LOWER EXTREMITY-PREDOMINANT, 2A, CHILDHOOD ONSET, AUTOSOMAL DOMINANT; Spinal muscular atrophy, lower extremity-predominant, 2A, autosomal dominant. Identifiers: Orphanet 363447, Orphanet 363454, MedGen C4747715, MONDO:0014121, OMIM 615290.

Allele frequency attached by ClinVar (database versions not stated): gnomAD 0.00002; gnomAD exomes 0.00002; TOPMed 0.00002; ExAC 0.00004; ESP Exome Variant Server 0.00008.
gnomAD v4.1: 41 of 1,611,718 alleles (0.0025%); highest among the groups gnomAD compares: Non-Finnish European, 0.0031%; no homozygotes.

Submissions (5):

Women's Health and Genetics/Laboratory Corporation of America, LabCorp
Classification: Likely benign. Last evaluated: 2025-09-11. Review status: criteria provided, single submitter. Criteria: LabCorp Variant Classification Summary - May 2015. Collection method: clinical testing. Allele origin: germline.
Comment: Variant summary: BICD2 c.1417C>T (p.Arg473Cys) results in a non-conservative amino acid change in the encoded protein sequence. Algorithms developed to predict the effect of missense changes on protein structure and function are either unavailable or do not agree on the potential impact of this missense change. The variant allele was found at a frequency of 2.5e-05 in 1611718 control chromosomes, predominantly at a frequency of 3.1e-05 within the Non-Finnish European subpopulation in the gnomAD database. The observed variant frequency within Non-Finnish European control individuals in the gnomAD database exceeds the estimated maximal expected allele frequency for disease-causing variants in BICD2. To our knowledge, no occurrence of c.1417C>T in individuals affected with BICD2-related conditions and no experimental evidence demonstrating its impact on protein function have been reported. ClinVar contains an entry for this variant (Variation ID: 1037444). Based on the evidence outlined above, the variant was classified as likely benign.

Mayo Clinic Laboratories, Mayo Clinic
Classification: Likely benign. Last evaluated: 2025-07-09. Review status: criteria provided, single submitter. Criteria: ACMG Guidelines, 2015. Collection method: clinical testing. Allele origin: germline. Observed: 1 variant allele.
Comment: BS2, BP4

Ambry Genetics
Classification: Uncertain significance for Inborn genetic diseases. Last evaluated: 2025-05-25. Review status: criteria provided, single submitter. Criteria: Ambry Variant Classification Scheme 2023. Collection method: clinical testing. Allele origin: germline.

Labcorp Genetics (formerly Invitae), Labcorp
Classification: Likely benign for Autosomal dominant childhood-onset proximal spinal muscular atrophy with contractures. Last evaluated: 2024-10-17. Review status: criteria provided, single submitter. Criteria: Invitae Variant Classification Sherloc (09022015). Collection method: clinical testing. Allele origin: germline.

GeneDx
Classification: Uncertain significance. Last evaluated: 2019-04-03. Review status: criteria provided, single submitter. Criteria: GeneDx Variant Classification Process June 2021. Collection method: clinical testing. Allele origin: germline. Affected: yes.
Comment: Has not been previously published as pathogenic or benign to our knowledge; The majority of missense variants in this gene are considered pathogenic (Stenson et al., 2014); In silico analysis, which includes protein predictors and evolutionary conservation, supports a deleterious effect